The following is an entry in ClinVar:

ClinVar aggregate classification (germline): Likely benign. Review status: criteria provided, multiple submitters, no conflicts (2 of 4 stars). 2 submissions from 2 submitters: Likely benign (2). Last evaluated 2026-04-22.

Conditions:
Colorectal cancer, susceptibility to, 1. Also called: COLORECTAL ADENOMA AND CANCER, SUSCEPTIBILITY TO; COLORECTAL CANCER, SUSCEPTIBILITY TO, ON CHROMOSOME 9. Identifiers: MedGen C1837315, MONDO:0012132, OMIM 608812.

Allele frequency attached by ClinVar (database versions not stated): TOPMed below 0.00001; gnomAD exomes 0.00001 and below 0.00001; gnomAD 0.00001.
gnomAD v4.1: 9 of 1,612,848 alleles (0.00056%); highest among the groups gnomAD compares: Middle Eastern, 0.019%; no homozygotes.

Submissions (2):

Myriad Genetics, Inc.
Classification: Likely benign for Colorectal cancer, susceptibility to, 1. Last evaluated: 2026-04-22. Review status: criteria provided, single submitter. Criteria: Myriad Autosomal Dominant, Autosomal Recessive and X-Linked Classification Criteria (2023). Collection method: clinical testing. Allele origin: unknown.
Comment: This variant is considered likely benign. This variant is intronic and is not expected to impact mRNA splicing.

Labcorp Genetics (formerly Invitae), Labcorp
Classification: Likely benign. Last evaluated: 2025-10-07. Review status: criteria provided, single submitter. Criteria: Invitae Variant Classification Sherloc (09022015). Collection method: clinical testing. Allele origin: germline.

NM_024642.5(GALNT12):c.1344+9G>A

Gene: GALNT12 (polypeptide N-acetylgalactosaminyltransferase 12; plus strand). Cytogenetic location: 9q22.33.
Variant type: single nucleotide variant.
Coding change: c.1344+9G>A on transcript NM_024642.5 (MANE Select); 9 bases into the intron after coding-DNA position 1344, G replaced by A.
Molecular consequence: intron variant.
Genome position (GRCh38, 1-based): chr9:98,840,142, G>A. VCF-style: chr9-98840142-G-A. GRCh37 (hg19) VCF-style: chr9-101602424-G-A.
Identifiers: ClinVar variation 1127484 (VCV001127484.10), dbSNP rs1222475012, ClinGen allele CA589352285.